The following is an entry in ClinVar:

NM_012330.4(KAT6B):c.308G>T (p.Arg103Leu)

Gene: KAT6B (lysine acetyltransferase 6B; plus strand). Cytogenetic location: 10q22.2.
Variant type: single nucleotide variant.
Coding change: c.308G>T on transcript NM_012330.4 (MANE Select); coding-DNA position 308, G replaced by T.
Protein change: p.Arg103Leu; replaces arginine 103 with leucine.
Molecular consequence: missense variant. On other transcripts: 5 prime UTR variant (2).
Genome position (GRCh38, 1-based): chr10:74,843,165, G>T. VCF-style: chr10-74843165-G-T. GRCh37 (hg19) VCF-style: chr10-76602923-G-T.
Other names: c.308G>T, p.Arg103Leu (NM_001256468.2, NM_001256469.2, NM_001370132.1 and 10 more transcripts); c.-231G>T (NM_001370134.1, NM_001370135.1); short protein forms R103L.
Identifiers: ClinVar variation 2153872 (VCV002153872.4), dbSNP rs773931583, ClinGen allele CA5564191.

ClinVar aggregate classification (germline): Uncertain significance (1 of 4 stars; one submission).

Conditions:
Genitopatellar syndrome (GTPTS). Also called: Genitopatellar syndrome (GPS); ABSENT PATELLAE, SCROTAL HYPOPLASIA, RENAL ANOMALIES, FACIAL DYSMORPHISM, AND MENTAL RETARDATION. Identifiers: Orphanet 85201, MedGen C1853566, MONDO:0011640, OMIM 606170.

Allele frequency attached by ClinVar (database versions not stated): gnomAD 0.00001.
gnomAD v4.1: 2 of 1,614,040 alleles (0.00012%); highest among the groups gnomAD compares: African/African-American, 0.0013%; no homozygotes.

Submission:

Labcorp Genetics (formerly Invitae), Labcorp
Classification: Uncertain significance for Genitopatellar syndrome. Last evaluated: 2025-03-10. Review status: criteria provided, single submitter. Criteria: Invitae Variant Classification Sherloc (09022015). Collection method: clinical testing. Allele origin: germline.
Comment: This sequence change replaces arginine, which is basic and polar, with leucine, which is neutral and non-polar, at codon 103 of the KAT6B protein (p.Arg103Leu). This variant is present in population databases (rs773931583, gnomAD 0.0009%). This variant has not been reported in the literature in individuals affected with KAT6B-related conditions. ClinVar contains an entry for this variant (Variation ID: 2153872). Invitae Evidence Modeling of protein sequence and biophysical properties (such as structural, functional, and spatial information, amino acid conservation, physicochemical variation, residue mobility, and thermodynamic stability) indicates that this missense variant is not expected to disrupt KAT6B protein function with a negative predictive value of 80%. In summary, the available evidence is currently insufficient to determine the role of this variant in disease. Therefore, it has been classified as a Variant of Uncertain Significance.